The following is an entry in ClinVar:

ClinVar aggregate classification (germline): Uncertain significance. Review status: criteria provided, single submitter (1 of 4 stars). 2 submissions from 2 submitters: Uncertain significance (1). 1 of the submissions does not count toward it. Last evaluated 2018-01-13.

Conditions:
GPC6-related disorder. Also called: GPC6-related condition.
Autosomal recessive omodysplasia (OMOD1). Also called: MICROMELIC DYSPLASIA, CONGENITAL, WITH DISLOCATION OF RADIUS. Identifiers: Orphanet 2733, Orphanet 93329, MedGen C1850318, MONDO:0009779, OMIM 258315.

Allele frequency attached by ClinVar (database versions not stated): gnomAD exomes below 0.00001.
gnomAD v4.1: 11 of 1,613,800 alleles (0.00068%); highest among the groups gnomAD compares: South Asian, 0.0011%; no homozygotes.

Submissions (2):

Illumina Laboratory Services, Illumina
Classification: Uncertain significance for Autosomal recessive omodysplasia. Last evaluated: 2018-01-13. Review status: criteria provided, single submitter. Criteria: ICSL Variant Classification Criteria 13 December 2019. Collection method: clinical testing. Allele origin: germline.

PreventionGenetics, part of Exact Sciences
Classification: Uncertain significance for GPC6-related condition. Last evaluated: 2024-06-20. Review status: no assertion criteria provided. Collection method: clinical testing. Allele origin: germline. Not counted in ClinVar's aggregate classification.
Comment: The GPC6 c.284G>A variant is predicted to result in the amino acid substitution p.Arg95His. To our knowledge, this variant has not been reported in the literature. This variant is reported in 0.0033% of alleles in individuals of South Asian descent in gnomAD. At this time, the clinical significance of this variant is uncertain due to the absence of conclusive functional and genetic evidence.

NM_005708.5(GPC6):c.284G>A (p.Arg95His)

Gene: GPC6 (glypican 6; plus strand). Cytogenetic location: 13q31.3.
Variant type: single nucleotide variant.
Coding change: c.284G>A on transcript NM_005708.5 (MANE Select); coding-DNA position 284, G replaced by A.
Protein change: p.Arg95His; replaces arginine 95 with histidine.
Molecular consequence: missense variant.
Genome position (GRCh38, 1-based): chr13:93,545,386, G>A. VCF-style: chr13-93545386-G-A. GRCh37 (hg19) VCF-style: chr13-94197639-G-A.
Other names: c.284G>A (NM_005708.4); short protein forms R95H.
Identifiers: ClinVar variation 883473 (VCV000883473.5), dbSNP rs1296709144, ClinGen allele CA388464942.